The following is an entry in ClinVar:

NC_000023.11:g.(?_18425605)_(18425695_?)del

Gene: CDKL5 (cyclin dependent kinase like 5; plus strand). Cytogenetic location: Xp22.13.
Variant type: Deletion.
Identifiers: ClinVar variation 189546 (VCV000189546.2).

ClinVar aggregate classification (germline): Likely pathogenic (0 of 4 stars; one submission).

Conditions:
Developmental and epileptic encephalopathy, 2 (DEE2). Also called: INFANTILE SPASM SYNDROME, X-LINKED 2; CDKL5 deficiency disorder. Identifiers: Orphanet 1934, Orphanet 3451, Orphanet 505652, MedGen C4750718, MONDO:0010396, OMIM 300672.

Submission:

RettBASE
Classification: Likely pathogenic for Epileptic encephalopathy, early infantile, 2. Last evaluated: 2014-03-13. Review status: no assertion criteria provided. Collection method: curation. Allele origin: de novo, unknown. Affected: yes. Observed: 2 variant alleles.
Comment: Effect on transcription and translation uncertain, but predicted to abolish transcription of allele

Literature cited by the submitters: PubMed 19793311; PubMed 21770923.